The following is an entry in ClinVar:

NM_000393.5(COL5A2):c.247G>T (p.Ala83Ser)

Gene: COL5A2 (collagen type V alpha 2 chain; minus strand). Cytogenetic location: 2q32.2.
Variant type: single nucleotide variant.
Coding change: c.247G>T on transcript NM_000393.5 (MANE Select); coding-DNA position 247, G replaced by T.
Protein change: p.Ala83Ser; replaces alanine 83 with serine.
Molecular consequence: missense variant.
Genome position (GRCh38, 1-based): chr2:189,110,300, C>A on the plus strand (G>T on the coding strand, the complement: COL5A2 is on the minus strand). VCF-style: chr2-189110300-C-A. GRCh37 (hg19) VCF-style: chr2-189975026-C-A.
Other names: short protein forms A83S.
Identifiers: ClinVar variation 519670 (VCV000519670.5), dbSNP rs1553519033, ClinGen allele CA349867754.

ClinVar aggregate classification (germline): Uncertain significance (1 of 4 stars; one submission).

Conditions:
Familial thoracic aortic aneurysm and aortic dissection (TAAD). Also called: Thoracic aortic aneurysms and dissections. Identifiers: Orphanet 91387, MedGen C4707243, MONDO:0019625.

Allele frequency attached by ClinVar (database versions not stated): gnomAD exomes below 0.00001.
gnomAD v4.1: 2 of 1,614,098 alleles (0.00012%); highest among the groups gnomAD compares: African/African-American, 0.0013%; no homozygotes.

Submission:

Ambry Genetics
Classification: Uncertain significance for Familial thoracic aortic aneurysm and aortic dissection. Last evaluated: 2016-05-16. Review status: criteria provided, single submitter. Criteria: Ambry Variant Classification Scheme 2023. Collection method: clinical testing. Allele origin: germline.
Comment: The p.A83S variant (also known as c.247G>T), located in coding exon 2 of the COL5A2 gene, results from a G to T substitution at nucleotide position 247. The alanine at codon 83 is replaced by serine, an amino acid with some similar properties. This variant was not reported in population based cohorts in the following databases: Database of Single Nucleotide Polymorphisms (dbSNP), NHLBI Exome Sequencing Project (ESP), and 1000 Genomes Project. In the ESP, this variant was not observed in 6503 samples (13006 alleles) with coverage at this position. This amino acid position is not well conserved in available vertebrate species. In addition, this alteration is predicted to be tolerated by in silico analysis. Since supporting evidence is limited at this time, the clincal significance of this variant remains unclear.